The following is an entry in ClinVar:

NM_001378454.1(ALMS1):c.11702A>G (p.His3901Arg)

Gene: ALMS1 (ALMS1 centrosome and basal body associated protein; plus strand). Cytogenetic location: 2p13.1.
Variant type: single nucleotide variant.
Coding change: c.11702A>G on transcript NM_001378454.1 (MANE Select); coding-DNA position 11702, A replaced by G.
Protein change: p.His3901Arg; replaces histidine 3901 with arginine.
Molecular consequence: missense variant.
Genome position (GRCh38, 1-based): chr2:73,600,711, A>G. VCF-style: chr2-73600711-A-G. GRCh37 (hg19) VCF-style: chr2-73827838-A-G.
Other names: c.11705A>G, p.His3902Arg (NM_015120.4); short protein forms H3902R, H3901R.
Identifiers: ClinVar variation 2228769 (VCV002228769.2), dbSNP rs769471024, ClinGen allele CA1715297.

ClinVar aggregate classification (germline): Uncertain significance (1 of 4 stars; one submission).

Conditions:
Cardiovascular phenotype. Identifiers: MedGen CN230736.

Allele frequency attached by ClinVar (database versions not stated): ExAC 0.00001; gnomAD exomes 0.00001.
gnomAD v4.1: 13 of 1,614,098 alleles (0.00081%); highest among the groups gnomAD compares: South Asian, 0.0066%; no homozygotes.

Submission:

Ambry Genetics
Classification: Uncertain significance for Cardiovascular phenotype. Last evaluated: 2021-01-27. Review status: criteria provided, single submitter. Criteria: Ambry Variant Classification Scheme 2023. Collection method: clinical testing. Allele origin: germline.
Comment: The c.11705A>G (p.H3902R) alteration is located in exon 18 (coding exon 18) of the ALMS1 gene. This alteration results from a A to G substitution at nucleotide position 11705, causing the histidine (H) at amino acid position 3902 to be replaced by an arginine (R). The p.H3902R alteration is predicted to be tolerated by in silico analysis. Based on insufficient or conflicting evidence, the clinical significance of this alteration remains unclear.